The following is an entry in ClinVar:

NM_025103.4(IFT74):c.17A>G (p.Lys6Arg)

Gene: IFT74 (intraflagellar transport 74; plus strand). Cytogenetic location: 9p21.2.
Variant type: single nucleotide variant.
Coding change: c.17A>G on transcript NM_025103.4 (MANE Select); coding-DNA position 17, A replaced by G.
Protein change: p.Lys6Arg; replaces lysine 6 with arginine.
Molecular consequence: missense variant.
Genome position (GRCh38, 1-based): chr9:26,961,984, A>G. VCF-style: chr9-26961984-A-G. GRCh37 (hg19) VCF-style: chr9-26961982-A-G.
Other names: c.17A>G, p.Lys6Arg (NM_001099222.3, NM_001099223.3, NM_001099224.3 and 1 more transcripts); c.17A>G (NM_025103.2); short protein forms K6R.
Identifiers: ClinVar variation 1919430 (VCV001919430.4), dbSNP rs752644039, ClinGen allele CA5014778.
Genomic context (GRCh38, chr9:26,961,984, plus strand): 5'-TGAACTATTTATTGTTTCCAAACAGCGATTAAAGTGAAGAAACAATGGCCAGCAATCACA[A>G]ATCTTCAGCAGCTCGCCCTGTTTCAAGAGGTGGAGTTGGGTTAACAGGAAGGCCTCCTTC-3'
Protein context (NP_079379.2, residues 1-16): MASNH[Lys6Arg]SSAARPVSRG

ClinVar aggregate classification (germline): Uncertain significance. Review status: criteria provided, single submitter (1 of 4 stars). 2 submissions from 2 submitters: Uncertain significance (1). 1 of the submissions does not count toward it. Last evaluated 2022-06-27.

Conditions:
IFT74-related disorder. Also called: IFT74-related condition; IFT74-Related Disorders.

Allele frequency attached by ClinVar (database versions not stated): gnomAD 0.00001; TOPMed 0.00001.
gnomAD v4.1: 21 of 1,614,106 alleles (0.0013%); highest among the groups gnomAD compares: Admixed American, 0.015%; 1 homozygote.

Submissions (2):

Labcorp Genetics (formerly Invitae), Labcorp
Classification: Uncertain significance. Last evaluated: 2022-06-27. Review status: criteria provided, single submitter. Criteria: Invitae Variant Classification Sherloc (09022015). Collection method: clinical testing. Allele origin: germline.
Comment: This sequence change replaces lysine, which is basic and polar, with arginine, which is basic and polar, at codon 6 of the IFT74 protein (p.Lys6Arg). This variant is present in population databases (rs752644039, gnomAD 0.02%). This variant has not been reported in the literature in individuals affected with IFT74-related conditions. Algorithms developed to predict the effect of missense changes on protein structure and function (SIFT, PolyPhen-2, Align-GVGD) all suggest that this variant is likely to be tolerated. In summary, the available evidence is currently insufficient to determine the role of this variant in disease. Therefore, it has been classified as a Variant of Uncertain Significance.

PreventionGenetics, part of Exact Sciences
Classification: Uncertain significance for IFT74-related condition. Last evaluated: 2024-02-21. Review status: no assertion criteria provided. Collection method: clinical testing. Allele origin: germline. Not counted in ClinVar's aggregate classification.
Comment: The IFT74 c.17A>G variant is predicted to result in the amino acid substitution p.Lys6Arg. To our knowledge, this variant has not been reported in the literature. This variant is reported in 0.017% of alleles in individuals of Latino descent in gnomAD. At this time, the clinical significance of this variant is uncertain due to the absence of conclusive functional and genetic evidence.